The following is an entry in ClinVar:

NM_000277.3(PAH):c.137del (p.Gly46fs)

Gene: PAH (phenylalanine hydroxylase; minus strand). Cytogenetic location: 12q23.2.
Variant type: Deletion.
Coding change: c.137del on transcript NM_000277.3 (MANE Select); coding-DNA position 137, one base deleted (G; older notation c.137delG).
Protein change: p.Gly46fs; shifts the reading frame from glycine 46.
Molecular consequence: frameshift variant.
Genome position (GRCh38, 1-based): chr12:102,912,822, C deleted on the plus strand (G on the coding strand, the reverse complement: PAH is on the minus strand); the first of 2 consecutive C bases (chr12:102,912,822-102,912,823); deleting either gives the same sequence. VCF-style (leftmost placement, unchanged base first): chr12-102912821-AC-A. GRCh37 (hg19) VCF-style: chr12-103306599-AC-A.
Other names: c.137del, p.Gly46fs (NM_001354304.2); short protein forms G46fs.
Identifiers: ClinVar variation 102597 (VCV000102597.2), dbSNP rs199475591, ClinGen allele CA229440.

ClinVar aggregate classification (germline): Pathogenic. Review status: reviewed by expert panel (3 of 4 stars). 2 submissions from 2 submitters: Pathogenic (1). 1 of the submissions does not count toward it. Last evaluated 2019-04-03.

Conditions:
Phenylketonuria (PKU). Also called: Phenylketonuria (PKU); FOLLING DISEASE; OLIGOPHRENIA PHENYLPYRUVICA; Phenylketonurias. Identifiers: Orphanet 716, MedGen C0031485, MONDO:0009861, OMIM 261600. Disease mechanism: loss of function.

Submissions (2):

ClinGen PAH Variant Curation Expert Panel
Classification: Pathogenic for Phenylketonuria. Last evaluated: 2019-04-03. Review status: reviewed by expert panel. Criteria: ClinGen PAH ACMG Specifications v1. Collection method: curation. Allele origin: germline. Inheritance: Autosomal recessive inheritance.
Comment: The c.137delG (p.Gly46Vfs*15) is a frameshift in exon 2 of 13 in PAH, predicted to undergo nonsense mediated decay with the truncated region critical to protein function. It has been reported in 1 individual with PKU (BH4 deficiency not excluded), who carried a second splicing variant (PP4; PMID: 10196714 ). This variant is absent from population databases (PM2). In summary, this variant meets criteria to be classified as pathogenic for PAH. PAH-specific ACMG/AMP criteria applied: PVS1, PM2, PP4.

DeBelle Laboratory for Biochemical Genetics, MUHC/MCH RESEARCH INSTITUTE
No classification provided. Review status: no classification provided. Collection method: not provided. Allele origin: not provided. Not counted in ClinVar's aggregate classification.

Literature cited by the submitters: PubMed 10196714 (cited by ClinGen PAH Variant Curation Expert Panel).